The following is an entry in ClinVar:

NM_004360.5(CDH1):c.1320+43C>G

Gene: CDH1 (cadherin 1; plus strand). Cytogenetic location: 16q22.1.
Variant type: single nucleotide variant.
Coding change: c.1320+43C>G on transcript NM_004360.5 (MANE Select); 43 bases into the intron after coding-DNA position 1320, C replaced by G.
Molecular consequence: intron variant. On other transcripts: 5 prime UTR variant (1).
Genome position (GRCh38, 1-based): chr16:68,813,538, C>G. VCF-style: chr16-68813538-C-G. GRCh37 (hg19) VCF-style: chr16-68847441-C-G.
Other names: c.1137+1275C>G (NM_001317184.2); c.-253C>G (NM_001317185.2); c.-500+43C>G (NM_001317186.2).
Identifiers: ClinVar variation 2502949 (VCV002502949.1), dbSNP rs773093752, ClinGen allele CA8130041.

ClinVar aggregate classification (germline): Uncertain significance (1 of 4 stars; one submission).

Conditions:
Hereditary diffuse gastric adenocarcinoma (HDGC). Also called: DIFFUSE GASTRIC AND LOBULAR BREAST CANCER SYNDROME. Identifiers: Orphanet 26106, MedGen C1708349, MONDO:0007648, OMIM 137215.

Allele frequency attached by ClinVar (database versions not stated): gnomAD 0.00005; gnomAD exomes 0.00005; ExAC 0.00007; TOPMed 0.00007.
gnomAD v4.1: 87 of 1,577,044 alleles (0.0055%); highest among the groups gnomAD compares: Middle Eastern, 0.05%; no homozygotes.

Submission:

European Reference Network on Genetic Tumour Risk Syndromes (ERN-GENTURIS), i3s - Instituto de Investigação e Inovação em Saúde, University of Porto
Classification: Uncertain significance for Hereditary diffuse gastric adenocarcinoma. Last evaluated: 2022-08-01. Review status: criteria provided, single submitter. Criteria: Lee et al. (Hum Mutat. 2018). Collection method: clinical testing. Allele origin: germline. Inheritance: Autosomal dominant inheritance. Affected: no. Study: ERN GENTURIS.
Comment: Not applicable criteria (PMID: 30311375)

Literature cited by the submitters: PubMed 36436516.